The following is an entry in ClinVar:

ClinVar aggregate classification (germline): Uncertain significance (1 of 4 stars; one submission).

Conditions:
Developmental and epileptic encephalopathy, 32 (DEE32). Also called: Epileptic encephalopathy, early infantile, 32. Identifiers: Orphanet 442835, MedGen C4225350, MONDO:0014607, OMIM 616366.

Allele frequency attached by ClinVar (database versions not stated): gnomAD exomes 0.00001.
gnomAD v4.1: 14 of 1,613,578 alleles (0.00087%); highest among the groups gnomAD compares: Non-Finnish European, 0.00093%; no homozygotes.

Submission:

Labcorp Genetics (formerly Invitae), Labcorp
Classification: Uncertain significance for Developmental and epileptic encephalopathy, 32. Last evaluated: 2024-05-23. Review status: criteria provided, single submitter. Criteria: Invitae Variant Classification Sherloc (09022015). Collection method: clinical testing. Allele origin: germline.
Comment: This sequence change replaces cysteine, which is neutral and slightly polar, with tyrosine, which is neutral and polar, at codon 482 of the KCNA2 protein (p.Cys482Tyr). This variant is present in population databases (no rsID available, gnomAD 0.0009%). This variant has not been reported in the literature in individuals affected with KCNA2-related conditions. ClinVar contains an entry for this variant (Variation ID: 2138988). An algorithm developed to predict the effect of missense changes on protein structure and function (PolyPhen-2) suggests that this variant is likely to be disruptive. In summary, the available evidence is currently insufficient to determine the role of this variant in disease. Therefore, it has been classified as a Variant of Uncertain Significance.

NM_004974.4(KCNA2):c.1445G>A (p.Cys482Tyr)

Gene: KCNA2 (potassium voltage-gated channel subfamily A member 2; minus strand). Cytogenetic location: 1p13.3.
Variant type: single nucleotide variant.
Coding change: c.1445G>A on transcript NM_004974.4 (MANE Select); coding-DNA position 1445, G replaced by A.
Protein change: p.Cys482Tyr; replaces cysteine 482 with tyrosine.
Molecular consequence: missense variant. On other transcripts: intron variant (1).
Genome position (GRCh38, 1-based): chr1:110,603,338, C>T on the plus strand (G>A on the coding strand, the complement: KCNA2 is on the minus strand). VCF-style: chr1-110603338-C-T. GRCh37 (hg19) VCF-style: chr1-111145960-C-T.
Other names: c.894+551G>A (NM_001204269.2); short protein forms C482Y.
Identifiers: ClinVar variation 2138988 (VCV002138988.4), dbSNP rs1290617182, ClinGen allele CA341600245.